The following is an entry in ClinVar:

NM_000925.4(PDHB):c.520G>A (p.Val174Met)

Gene: PDHB (pyruvate dehydrogenase E1 subunit beta; minus strand). Cytogenetic location: 3p14.3.
Variant type: single nucleotide variant.
Coding change: c.520G>A on transcript NM_000925.4 (MANE Select); coding-DNA position 520, G replaced by A.
Protein change: p.Val174Met; replaces valine 174 with methionine.
Molecular consequence: missense variant. On other transcripts: non-coding transcript variant (1).
Genome position (GRCh38, 1-based): chr3:58,430,726, C>T on the plus strand (G>A on the coding strand, the complement: PDHB is on the minus strand). VCF-style: chr3-58430726-C-T. GRCh37 (hg19) VCF-style: chr3-58416453-C-T.
Other names: c.466G>A, p.Val156Met (NM_001173468.2, NM_001315536.2); short protein forms V156M, V174M.
Identifiers: ClinVar variation 1991039 (VCV001991039.4), dbSNP rs760966357, ClinGen allele CA2471545.

ClinVar aggregate classification (germline): Uncertain significance (1 of 4 stars; one submission).

Conditions:
Pyruvate dehydrogenase E1-beta deficiency (PDHBD). Identifiers: Orphanet 255138, Orphanet 765, MedGen C3279841, MONDO:0013580, OMIM 614111.

gnomAD v4.1: 1 of 1,614,056 alleles (0.000062%); highest among the groups gnomAD compares: Admixed American, 0.0017%; no homozygotes.

Submission:

Labcorp Genetics (formerly Invitae), Labcorp
Classification: Uncertain significance for Pyruvate dehydrogenase E1-beta deficiency. Last evaluated: 2022-04-10. Review status: criteria provided, single submitter. Criteria: Invitae Variant Classification Sherloc (09022015). Collection method: clinical testing. Allele origin: germline.
Comment: This variant has not been reported in the literature in individuals affected with PDHB-related conditions. In summary, the available evidence is currently insufficient to determine the role of this variant in disease. Therefore, it has been classified as a Variant of Uncertain Significance. Algorithms developed to predict the effect of missense changes on protein structure and function are either unavailable or do not agree on the potential impact of this missense change (SIFT: "Deleterious"; PolyPhen-2: "Probably Damaging"; Align-GVGD: "Class C0"). This variant is present in population databases (rs760966357, gnomAD 0.003%). This sequence change replaces valine, which is neutral and non-polar, with methionine, which is neutral and non-polar, at codon 174 of the PDHB protein (p.Val174Met).